The following is an entry in ClinVar:

NM_003119.4(SPG7):c.558G>C (p.Val186=)

Gene: SPG7 (SPG7 matrix AAA peptidase subunit, paraplegin; plus strand). Cytogenetic location: 16q24.3.
Variant type: single nucleotide variant.
Coding change: c.558G>C on transcript NM_003119.4 (MANE Select); coding-DNA position 558, G replaced by C.
Protein change: p.Val186=; no amino-acid change (valine 186 retained).
Molecular consequence: synonymous variant.
Genome position (GRCh38, 1-based): chr16:89,524,187, G>C. VCF-style: chr16-89524187-G-C. GRCh37 (hg19) VCF-style: chr16-89590595-G-C.
Other names: c.558G>C, p.Val186= (NM_001363850.1, NM_199367.3).
Identifiers: ClinVar variation 465177 (VCV000465177.9), dbSNP rs754129188, ClinGen allele CA8243669.

ClinVar aggregate classification (germline): Likely benign. Review status: criteria provided, single submitter (1 of 4 stars). 2 submissions from 2 submitters: Likely benign (1). 1 of the submissions does not count toward it. Last evaluated 2020-09-10.

Conditions:
SPG7-related disorder. Also called: SPG7-related condition.
Hereditary spastic paraplegia 7 (SPG7). Also called: SPASTIC PARAPLEGIA 7, AUTOSOMAL RECESSIVE, WITH OR WITHOUT CEREBELLAR ATAXIA; Spastic paraplegia 7; Hereditary spastic paraplegia Paraplegin type; Autosomal recessive spastic paraplegia type 7; SPG7-related neurologic disorder. Identifiers: Orphanet 99013, MedGen C1846564, MONDO:0011803, OMIM 607259.

Allele frequency attached by ClinVar (database versions not stated): TOPMed 0.00002; ExAC 0.00008.
gnomAD v4.1: 29 of 1,613,816 alleles (0.0018%); highest among the groups gnomAD compares: Admixed American, 0.013%; 1 homozygote.

Submissions (2):

Labcorp Genetics (formerly Invitae), Labcorp
Classification: Likely benign for Hereditary spastic paraplegia 7. Last evaluated: 2020-09-10. Review status: criteria provided, single submitter. Criteria: Invitae Variant Classification Sherloc (09022015). Collection method: clinical testing. Allele origin: germline.

PreventionGenetics, part of Exact Sciences
Classification: Likely benign for SPG7-related condition. Last evaluated: 2020-07-17. Review status: no assertion criteria provided. Collection method: clinical testing. Allele origin: germline. Not counted in ClinVar's aggregate classification.
Comment: This variant is classified as likely benign based on ACMG/AMP sequence variant interpretation guidelines (Richards et al. 2015 PMID: 25741868, with internal and published modifications).